The following is an entry in ClinVar:

ClinVar aggregate classification (germline): Uncertain significance (1 of 4 stars; one submission).

Conditions:
Developmental and epileptic encephalopathy, 8 (DEE8). Also called: HYPEREKPLEXIA AND EPILEPSY. Identifiers: Orphanet 163985, Orphanet 2076, MedGen C1845102, MONDO:0010375, OMIM 300607.

Allele frequency attached by ClinVar (database versions not stated): gnomAD exomes below 0.00001.
gnomAD v4.1: 1 of 1,182,231 alleles (0.000085%); highest among the groups gnomAD compares: Non-Finnish European, 0.00011%; no homozygotes.

Submission:

Labcorp Genetics (formerly Invitae), Labcorp
Classification: Uncertain significance for Developmental and epileptic encephalopathy, 8. Last evaluated: 2022-03-22. Review status: criteria provided, single submitter. Criteria: Invitae Variant Classification Sherloc (09022015). Collection method: clinical testing. Allele origin: germline.
Comment: In summary, the available evidence is currently insufficient to determine the role of this variant in disease. Therefore, it has been classified as a Variant of Uncertain Significance. Algorithms developed to predict the effect of missense changes on protein structure and function (SIFT, PolyPhen-2, Align-GVGD) all suggest that this variant is likely to be tolerated. This variant has not been reported in the literature in individuals affected with ARHGEF9-related conditions. This variant is not present in population databases (gnomAD no frequency). This sequence change replaces asparagine, which is neutral and polar, with serine, which is neutral and polar, at codon 459 of the ARHGEF9 protein (p.Asn459Ser).

NM_001353921.2(ARHGEF9):c.1397A>G (p.Asn466Ser)

Gene: ARHGEF9 (Cdc42 guanine nucleotide exchange factor 9; minus strand). Cytogenetic location: Xq11.1.
Variant type: single nucleotide variant.
Coding change: c.1397A>G on transcript NM_001353921.2 (MANE Select); coding-DNA position 1397, A replaced by G.
Protein change: p.Asn466Ser; replaces asparagine 466 with serine.
Molecular consequence: missense variant. On other transcripts: 3 prime UTR variant (2).
Genome position (GRCh38, 1-based): chrX:63,638,203, T>C on the plus strand (A>G on the coding strand, the complement: ARHGEF9 is on the minus strand). VCF-style: chrX-63638203-T-C. GRCh37 (hg19) VCF-style: chrX-62858083-T-C.
Other names: c.1217A>G, p.Asn406Ser (NM_001173479.2); c.1070A>G, p.Asn357Ser (NM_001173480.2, NM_001369042.1); c.1313A>G, p.Asn438Ser (NM_001330495.2, NM_001369033.1, NM_001369034.1 and 4 more transcripts); c.1265A>G, p.Asn422Ser (NM_001353922.2); c.1415A>G, p.Asn472Ser (NM_001353923.1); c.1196A>G, p.Asn399Ser (NM_001353924.2, NM_001353926.2, NM_001369039.1 and 1 more transcripts); c.1181A>G, p.Asn394Ser (NM_001353927.2, NM_001369041.1); c.1244A>G, p.Asn415Ser (NM_001353928.2); and 3 more; short protein forms N357S, N415S, N466S, N277S, N399S, N472S, N394S, N406S.
Identifiers: ClinVar variation 1393668 (VCV001393668.8), dbSNP rs2147114917, ClinGen allele CA413401497.
Genomic context (GRCh38, chrX:63,638,203, plus strand): 5'-TGGCCGTGGTTTAACGGGTCCTGCGGTGGTGGGTAGGAAGGAGGAACTGAGCGGGCAGAG[T>C]TGACACCTAGAGTAGATGAGAGATCAAAGGGAAAGGGTATAAGTTATGTAACAAAGGGCT-3'
Protein context (NP_001340850.1, residues 456-476): VRKVPKQKGV[Asn466Ser]SARSVPPSYP